The following is an entry in ClinVar:

NM_004364.5(CEBPA):c.398G>A (p.Cys133Tyr)

Gene: CEBPA (CCAAT enhancer binding protein alpha; minus strand). Cytogenetic location: 19q13.11.
Variant type: single nucleotide variant.
Coding change: c.398G>A on transcript NM_004364.5 (MANE Select); coding-DNA position 398, G replaced by A.
Protein change: p.Cys133Tyr; replaces cysteine 133 with tyrosine.
Molecular consequence: missense variant.
Genome position (GRCh38, 1-based): chr19:33,302,017, C>T on the plus strand (G>A on the coding strand, the complement: CEBPA is on the minus strand). VCF-style: chr19-33302017-C-T. GRCh37 (hg19) VCF-style: chr19-33792923-C-T.
Other names: c.41G>A, p.Cys14Tyr (NM_001285829.2); c.503G>A, p.Cys168Tyr (NM_001287424.2); c.356G>A, p.Cys119Tyr (NM_001287435.2); short protein forms C133Y, C119Y, C14Y, C168Y.
Identifiers: ClinVar variation 2040187 (VCV002040187.5), dbSNP rs1257791760, ClinGen allele CA405275038.

ClinVar aggregate classification (germline): Uncertain significance. Review status: criteria provided, multiple submitters, no conflicts (2 of 4 stars). 2 submissions from 2 submitters: Uncertain significance (2). Last evaluated 2026-07-07.

Conditions:
Acute myeloid leukemia (AML). Also called: Acute myeloid leukemia, adult; AML adult; Acute non-lymphocytic leukemia; Acute granulocytic leukemia; Leukemia, acute myeloid, somatic; Leukemia, acute myelogenous, somatic. Identifiers: Orphanet 519, MedGen C0023467, MeSH D015470, MONDO:0018874, OMIM 601626, HP:0004808. Disease mechanism: Constitutively activated FLT3.
Inborn genetic diseases. Identifiers: MedGen C0950123, MeSH D030342.

Allele frequency attached by ClinVar (database versions not stated): TOPMed below 0.00001.

Submissions (2):

Ambry Genetics
Classification: Uncertain significance for Inborn genetic diseases. Last evaluated: 2026-07-07. Review status: criteria provided, single submitter. Criteria: Ambry Variant Classification Scheme 2023. Collection method: clinical testing. Allele origin: germline.
Comment: The p.C133Y variant (also known as c.398G>A), located in coding exon 1 of the CEBPA gene, results from a G to A substitution at nucleotide position 398. The cysteine at codon 133 is replaced by tyrosine, an amino acid with highly dissimilar properties. This amino acid position is conserved. In addition, this alteration is predicted to be tolerated by in silico analysis. Based on the available evidence, the clinical significance of this variant remains unclear.

Labcorp Genetics (formerly Invitae), Labcorp
Classification: Uncertain significance for Acute myeloid leukemia. Last evaluated: 2025-03-10. Review status: criteria provided, single submitter. Criteria: Invitae Variant Classification Sherloc (09022015). Collection method: clinical testing. Allele origin: germline.
Comment: This sequence change replaces cysteine, which is neutral and slightly polar, with tyrosine, which is neutral and polar, at codon 133 of the CEBPA protein (p.Cys133Tyr). The frequency data for this variant in the population databases is considered unreliable, as metrics indicate insufficient coverage at this position in the gnomAD database. This variant has not been reported in the literature in individuals affected with CEBPA-related conditions. ClinVar contains an entry for this variant (Variation ID: 2040187). Invitae Evidence Modeling of protein sequence and biophysical properties (such as structural, functional, and spatial information, amino acid conservation, physicochemical variation, residue mobility, and thermodynamic stability) indicates that this missense variant is not expected to disrupt CEBPA protein function with a negative predictive value of 80%. In summary, the available evidence is currently insufficient to determine the role of this variant in disease. Therefore, it has been classified as a Variant of Uncertain Significance.